The following is an entry in ClinVar:

ClinVar aggregate classification (germline): Likely benign (1 of 4 stars; one submission).

Allele frequency attached by ClinVar (database versions not stated): 1000 Genomes Project 0.00300; ExAC 0.00438; ESP Exome Variant Server 0.00457.

Submission:

CeGaT Center for Human Genetics Tuebingen
Classification: Likely benign. Last evaluated: 2022-12-01. Review status: criteria provided, single submitter. Criteria: CeGaT Center For Human Genetics Tuebingen Variant Classification Criteria Version 2. Collection method: clinical testing. Allele origin: germline. Affected: yes. Observed: 1 variant allele.
Comment: CCL4L2: BS2; TBC1D3C: BS2

NM_207007.4(CCL4L1):c.208G>A (p.Gly70Ser)

Genes: CCL4L1 (C-C motif chemokine ligand 4 like 1; plus strand), CCL4L2 (C-C motif chemokine ligand 4 like 2; plus strand). Cytogenetic location: 17q12.
Variant type: single nucleotide variant.
Coding change: c.208G>A on transcript NM_207007.4 (MANE Select); coding-DNA position 208, G replaced by A.
Protein change: p.Gly70Ser; replaces glycine 70 with serine.
Molecular consequence: missense variant. On other transcripts: non-coding transcript variant (1).
Genome position (GRCh38, 1-based): chr17:268,201, G>A. VCF-style: chr17-268201-G-A. GRCh37 (hg19) VCF-style: chr17-34641466-G-A.
Other names: short protein forms G70S.
Identifiers: ClinVar variation 2647686 (VCV002647686.19), dbSNP rs1597769113, ClinGen allele CA8510558.